The following is an entry in ClinVar:

ClinVar aggregate classification (germline): Uncertain significance (1 of 4 stars; one submission).

Conditions:
Hereditary cancer-predisposing syndrome. Also called: Hereditary Cancer Syndrome; Hereditary neoplastic syndrome; Neoplastic Syndromes, Hereditary; Tumor predisposition. Identifiers: Orphanet 140162, MedGen C0027672, MeSH D009386, MONDO:0015356.

Submission:

Ambry Genetics
Classification: Uncertain significance for Hereditary cancer-predisposing syndrome. Last evaluated: 2021-09-13. Review status: criteria provided, single submitter. Criteria: Ambry Variant Classification Scheme 2023. Collection method: clinical testing. Allele origin: germline.
Comment: The c.967_969delCTT variant (also known as p.L323del) is located in coding exon 9 of the PMS2 gene. This variant results from an in-frame CTT deletion at nucleotide positions 967 to 969. This results in the in-frame deletion of a leucine at codon 323. This amino acid position is highly conserved in available vertebrate species. In addition, this alteration is predicted to be deleterious by in silico analysis (Choi Y et al. PLoS ONE. 2012; 7(10):e46688). Since supporting evidence is limited at this time, the clinical significance of this alteration remains unclear.

NM_000535.7(PMS2):c.967_969del (p.Leu323del)

Gene: PMS2 (PMS1 homolog 2, mismatch repair system component; minus strand). Cytogenetic location: 7p22.1.
Variant type: Deletion.
Coding change: c.967_969del on transcript NM_000535.7 (MANE Select); coding-DNA positions 967 to 969, 3 bases deleted (CTT; older notation c.967_969delCTT).
Protein change: p.Leu323del; deletes leucine 323.
Molecular consequence: inframe deletion. On other transcripts: inframe indel (47), non-coding transcript variant (1).
Genome position (GRCh38, 1-based): chr7:5,991,992-5,991,994, AAG deleted on the plus strand (CTT on the coding strand, the reverse complement: PMS2 is on the minus strand); deleting any 3 consecutive bases within chr7:5,991,992-5,991,996 gives the same sequence; the c. name uses the placement nearest the transcript's 3' end. VCF-style (leftmost placement, unchanged base first): chr7-5991991-TAAG-T. GRCh37 (hg19) VCF-style: chr7-6031622-TAAG-T.
Other names: c.560_562delTTC, p.Leu188del (NM_001018040.1, NM_001406887.1, NM_001406888.1 and 15 more transcripts); c.562_564del, p.Leu188del (NM_001322003.2, NM_001322004.2, NM_001322005.2 and 2 more transcripts); c.967_969del, p.Leu323del (NM_001322006.2, NM_001322014.2); c.649_651del, p.Leu217del (NM_001322007.2, NM_001322008.2); c.34_36del, p.Leu12del (NM_001322011.2, NM_001322012.2); c.394_396del, p.Leu132del (NM_001322013.2); c.658_660del, p.Leu220del (NM_001322015.2); c.1151_1153delTTC, p.Leu385del (NM_001406866.1); and 13 more; short protein forms L12del, L211del, L217del, L66del, L132del, L188del, L220del, L257del.
Identifiers: ClinVar variation 1767742 (VCV001767742.2), dbSNP rs2536006883, ClinGen allele CA2580076773.